The following is an entry in ClinVar:

ClinVar aggregate classification (germline): Likely pathogenic (1 of 4 stars; one submission).

Conditions:
Usher syndrome type 1 (USH1). Also called: RETINITIS PIGMENTOSA AND CONGENITAL DEAFNESS. Identifiers: Orphanet 231169, Orphanet 886, MedGen C1568247, MONDO:0010168, OMIM 276900.

Submission:

Myriad Genetics, Inc.
Classification: Likely pathogenic for Usher syndrome type 1. Last evaluated: 2026-05-12. Review status: criteria provided, single submitter. Criteria: Myriad Autosomal Dominant, Autosomal Recessive and X-Linked Classification Criteria (2023). Collection method: clinical testing. Allele origin: unknown.
Comment: NM_000260.3(MYO7A):c.5168+1G>C is a variant in a canonical splice site classified as likely pathogenic in the context of MYO7A-related disorders. c.5168+1G>C has not been observed in cases with relevant disease. Relevant functional assessments of this variant are not available in the literature. c.5168+1G>C has not been observed in referenced population frequency databases. In summary, NM_000260.3(MYO7A):c.5168+1G>C is a variant in a canonical splice site in a gene where loss of function is a known mechanism of disease and is predicted to disrupt protein function. Please note: this variant was assessed in the context of healthy population screening.

NM_000260.4(MYO7A):c.5168+1G>C

Gene: MYO7A (myosin VIIA; plus strand). Cytogenetic location: 11q13.5.
Variant type: single nucleotide variant.
Coding change: c.5168+1G>C on transcript NM_000260.4 (MANE Select); the canonical splice donor site of the intron after coding-DNA position 5168, G replaced by C.
Molecular consequence: splice donor variant.
Genome position (GRCh38, 1-based): chr11:77,202,425, G>C. VCF-style: chr11-77202425-G-C. GRCh37 (hg19) VCF-style: chr11-76913470-G-C.
Other names: c.5021+1G>C (NM_001369365.1); c.5054+1G>C (NM_001127180.2).
Identifiers: ClinVar variation 5003868 (VCV005003868.1).
Genomic context (GRCh38, chr11:77,202,425, plus strand): 5'-GGAGCCCGAGGTGCGTGCCAAGCCCTACACGCTGGAGGAGTTTTCCTATGACTACTTCAG[G>C]TGATGCCTCCTGGGGAAGGATGGGAGCCACAGGGCTAGGAGCTGCAGGCTTCCGCTACTG-3'